The following is an entry in ClinVar:

NM_001680.5(FXYD2):c.80G>A (p.Arg27His)

Genes: FXYD2 (FXYD domain containing ion transport regulator 2; minus strand), FXYD6-FXYD2 (FXYD6-FXYD2 readthrough; minus strand). Cytogenetic location: 11q23.3.
Variant type: single nucleotide variant.
Coding change: c.80G>A on transcript NM_001680.5 (MANE Select); coding-DNA position 80, G replaced by A.
Protein change: p.Arg27His; replaces arginine 27 with histidine.
Molecular consequence: missense variant. On other transcripts: intron variant (1).
Genome position (GRCh38, 1-based): chr11:117,822,465, C>T on the plus strand (G>A on the coding strand, the complement: FXYD2 is on the minus strand). VCF-style: chr11-117822465-C-T. GRCh37 (hg19) VCF-style: chr11-117693180-C-T.
Other names: c.314G>A (NM_001204268.1); c.314G>A, p.Arg105His (NM_001204268.3); c.74G>A, p.Arg25His (NM_021603.4); c.311+214G>A (NM_001243598.4); short protein forms R25H, R105H, R27H.
Identifiers: ClinVar variation 4707059 (VCV004707059.2).

ClinVar aggregate classification (germline): Uncertain significance. Review status: criteria provided, multiple submitters, no conflicts (2 of 4 stars). 2 submissions from 2 submitters: Uncertain significance (2). Last evaluated 2026-01-12.

Submissions (2):

Labcorp Genetics (formerly Invitae), Labcorp
Classification: Uncertain significance. Last evaluated: 2026-01-12. Review status: criteria provided, single submitter. Criteria: Invitae Variant Classification Sherloc (09022015). Collection method: clinical testing. Allele origin: germline.
Comment: This sequence change replaces arginine, which is basic and polar, with histidine, which is basic and polar, at codon 27 of the FXYD2 protein (p.Arg27His). The frequency data for this variant in the population databases is considered unreliable, as metrics indicate poor data quality at this position in the gnomAD database. This variant has not been reported in the literature in individuals affected with FXYD2-related conditions. An algorithm developed to predict the effect of missense changes on protein structure and function (PolyPhen-2) suggests that this variant is likely to be disruptive. In summary, the available evidence is currently insufficient to determine the role of this variant in disease. Therefore, it has been classified as a Variant of Uncertain Significance.

Ambry Genetics
Classification: Uncertain significance. Last evaluated: 2025-12-16. Review status: criteria provided, single submitter. Criteria: Ambry Variant Classification Scheme 2023. Collection method: clinical testing. Allele origin: germline.